The following is an entry in ClinVar:

ClinVar aggregate classification (germline): Likely benign (1 of 4 stars; one submission).

Allele frequency attached by ClinVar (database versions not stated): 1000 Genomes Project 30x 0.00250; gnomAD 0.00251; TOPMed 0.00253; ESP Exome Variant Server 0.00254; 1000 Genomes Project 0.00280; ExAC 0.00435.
gnomAD v4.1: 3,300 of 1,602,954 alleles (0.21%); highest among the groups gnomAD compares: Middle Eastern, 0.78%; 12 homozygotes.

Submission:

CeGaT Center for Human Genetics Tuebingen
Classification: Likely benign. Last evaluated: 2022-09-01. Review status: criteria provided, single submitter. Criteria: CeGaT Center For Human Genetics Tuebingen Variant Classification Criteria Version 2. Collection method: clinical testing. Allele origin: germline. Affected: yes. Observed: 1 variant allele.
Comment: SETMAR: BP4, BP7

NM_006515.4(SETMAR):c.1263C>T (p.Ile421=)

Genes: SETMAR (SET and mariner transposase domain methyltransferase; plus strand), SUMF1 (sulfatase modifying factor 1; minus strand). Cytogenetic location: 3p26.1.
Variant type: single nucleotide variant.
Coding change: c.1263C>T on transcript NM_006515.4 (MANE Select); coding-DNA position 1263, C replaced by T.
Protein change: p.Ile421=; no amino-acid change (isoleucine 421 retained).
Molecular consequence: synonymous variant.
Genome position (GRCh38, 1-based): chr3:4,316,454, C>T. VCF-style: chr3-4316454-C-T. GRCh37 (hg19) VCF-style: chr3-4358138-C-T.
Other names: c.846C>T, p.Ile282= (NM_001243723.2); c.429C>T, p.Ile143= (NM_001320676.2); c.495C>T, p.Ile165= (NM_001320677.2); c.399C>T, p.Ile133= (NM_001320678.2).
Identifiers: ClinVar variation 2653451 (VCV002653451.24), dbSNP rs149611890, ClinGen allele CA2230225.